The following is an entry in ClinVar:

ClinVar aggregate classification (germline): Uncertain significance (1 of 4 stars; one submission).

Conditions:
Amyotrophic lateral sclerosis type 1 (ALS1). Also called: AMYOTROPHIC LATERAL SCLEROSIS 1, FAMILIAL. Identifiers: Orphanet 803, MedGen C1862939, MONDO:0007103, OMIM 105400.

Submission:

Labcorp Genetics (formerly Invitae), Labcorp
Classification: Uncertain significance for Amyotrophic lateral sclerosis type 1. Last evaluated: 2022-09-29. Review status: criteria provided, single submitter. Criteria: Invitae Variant Classification Sherloc (09022015). Collection method: clinical testing. Allele origin: germline.
Comment: This sequence change replaces isoleucine, which is neutral and non-polar, with serine, which is neutral and polar, at codon 152 of the SOD1 protein (p.Ile152Ser). This variant is not present in population databases (gnomAD no frequency). This missense change has been observed in individual(s) with amyotrophic lateral sclerosis (PMID: 14506936). This variant is also known as I151S. ClinVar contains an entry for this variant (Variation ID: 1002443). Advanced modeling of protein sequence and biophysical properties (such as structural, functional, and spatial information, amino acid conservation, physicochemical variation, residue mobility, and thermodynamic stability) performed at Invitae indicates that this missense variant is expected to disrupt SOD1 protein function. In summary, the available evidence is currently insufficient to determine the role of this variant in disease. Therefore, it has been classified as a Variant of Uncertain Significance.

Literature cited by the submitters: PubMed 14506936.

NM_000454.5(SOD1):c.455T>G (p.Ile152Ser)

Gene: SOD1 (superoxide dismutase 1; plus strand). Cytogenetic location: 21q22.11.
Variant type: single nucleotide variant.
Coding change: c.455T>G on transcript NM_000454.5 (MANE Select); coding-DNA position 455, T replaced by G.
Protein change: p.Ile152Ser; replaces isoleucine 152 with serine.
Molecular consequence: missense variant.
Genome position (GRCh38, 1-based): chr21:31,668,568, T>G. VCF-style: chr21-31668568-T-G. GRCh37 (hg19) VCF-style: chr21-33040881-T-G.
Other names: short protein forms I152S.
Identifiers: ClinVar variation 1002443 (VCV001002443.8), dbSNP rs121912449, ClinGen allele CA410037840.